The following is an entry in ClinVar:

ClinVar aggregate classification (germline): Uncertain significance (1 of 4 stars; one submission).

Conditions:
TNF receptor-associated periodic fever syndrome (TRAPS) (FPF). Also called: Autosomal Dominant Familial Periodic Fever; TNF Receptor-Associated Periodic Fever Syndrome; FAMILIAL HIBERNIAN FEVER; TNF RECEPTOR-ASSOCIATED PERIODIC SYNDROME; TUMOR NECROSIS FACTOR RECEPTOR-ASSOCIATED PERIODIC SYNDROME; TNF receptor 1-associated periodic fever syndrome. Identifiers: Orphanet 32960, MedGen C1275126, MONDO:0007727, OMIM 142680.

gnomAD v4.1: 10 of 1,586,700 alleles (0.00063%); highest among the groups gnomAD compares: East Asian, 0.023%; no homozygotes.

Submission:

Labcorp Genetics (formerly Invitae), Labcorp
Classification: Uncertain significance for TNF receptor-associated periodic fever syndrome (TRAPS). Last evaluated: 2025-10-11. Review status: criteria provided, single submitter. Criteria: Invitae Variant Classification Sherloc (09022015). Collection method: clinical testing. Allele origin: germline.
Comment: This sequence change replaces proline, which is neutral and non-polar, with alanine, which is neutral and non-polar, at codon 317 of the TNFRSF1A protein (p.Pro317Ala). This variant is not present in population databases (gnomAD no frequency). This variant has not been reported in the literature in individuals affected with TNFRSF1A-related conditions. Invitae Evidence Modeling of protein sequence and biophysical properties (such as structural, functional, and spatial information, amino acid conservation, physicochemical variation, residue mobility, and thermodynamic stability) has been performed for this missense variant. However, the output from this modeling did not meet the statistical confidence thresholds required to predict the impact of this variant on TNFRSF1A protein function. In summary, the available evidence is currently insufficient to determine the role of this variant in disease. Therefore, it has been classified as a Variant of Uncertain Significance.

NM_001065.4(TNFRSF1A):c.949C>G (p.Pro317Ala)

Gene: TNFRSF1A (TNF receptor superfamily member 1A; minus strand). Cytogenetic location: 12p13.31.
Variant type: single nucleotide variant.
Coding change: c.949C>G on transcript NM_001065.4 (MANE Select); coding-DNA position 949, C replaced by G.
Protein change: p.Pro317Ala; replaces proline 317 with alanine.
Molecular consequence: missense variant. On other transcripts: non-coding transcript variant (1).
Genome position (GRCh38, 1-based): chr12:6,329,886, G>C on the plus strand (C>G on the coding strand, the complement: TNFRSF1A is on the minus strand). VCF-style: chr12-6329886-G-C. GRCh37 (hg19) VCF-style: chr12-6439052-G-C.
Other names: c.625C>G, p.Pro209Ala (NM_001346091.2); c.490C>G, p.Pro164Ala (NM_001346092.2); short protein forms P317A, P164A, P209A.
Identifiers: ClinVar variation 4780365 (VCV004780365.1).